The following is an entry in ClinVar:

NM_004187.5(KDM5C):c.2368+11G>A

Gene: KDM5C (lysine demethylase 5C; minus strand). Cytogenetic location: Xp11.22.
Variant type: single nucleotide variant.
Coding change: c.2368+11G>A on transcript NM_004187.5 (MANE Select); 11 bases into the intron after coding-DNA position 2368, G replaced by A.
Molecular consequence: intron variant.
Genome position (GRCh38, 1-based): chrX:53,198,753, C>T on the plus strand (G>A on the coding strand, the complement: KDM5C is on the minus strand). VCF-style: chrX-53198753-C-T. GRCh37 (hg19) VCF-style: chrX-53227935-C-T.
Other names: c.2365+11G>A (NM_001353982.2, NM_001353979.2, NM_001282622.3); c.2368+11G>A (NM_001353981.2, NM_001353984.2, NM_001353978.3); c.2167+11G>A (NM_001146702.2).
Identifiers: ClinVar variation 1723440 (VCV001723440.1), dbSNP rs2519415959, ClinGen allele CA2580101213.

ClinVar aggregate classification (germline): Uncertain significance (1 of 4 stars; one submission).

Submission:

Women's Health and Genetics/Laboratory Corporation of America, LabCorp
Classification: Uncertain significance. Last evaluated: 2022-10-01. Review status: criteria provided, single submitter. Criteria: LabCorp Variant Classification Summary - May 2015. Collection method: clinical testing. Allele origin: germline.
Comment: Variant summary: KDM5C c.2368+11G>A alters a conserved nucleotide located close to a canonical splice site and therefore could affect mRNA splicing, leading to a significantly altered protein sequence. 4/4 computational tools predict no significant impact on normal splicing, however, these predictions have yet to be confirmed by functional studies. The variant was absent in 183510 control chromosomes (gnomAD). The available data on variant occurrences in the general population are insufficient to allow any conclusion about variant significance. To our knowledge, no occurrence of c.2368+11G>A in individuals affected with Claes-Jensen Type, X-Linked Syndromic Intellectual Disability and no experimental evidence demonstrating its impact on protein function have been reported. No clinical diagnostic laboratories have submitted clinical-significance assessments for this variant to ClinVar after 2014. Based on the evidence outlined above, the variant was classified as uncertain significance.